The following is an entry in ClinVar:

ClinVar aggregate classification (germline): Benign/Likely benign. Review status: criteria provided, multiple submitters, no conflicts (2 of 4 stars). 5 submissions from 5 submitters: Benign (1); Likely benign (4). Last evaluated 2026-01-14.

Conditions:
Cardiomyopathy (CMYO). Also called: Cardiomyopathies. Identifiers: Orphanet 167848, MedGen C0878544, MONDO:0004994, HP:0001638. Inheritance: Various modes of inheritance.
Cardiovascular phenotype. Identifiers: MedGen CN230736.
Hypertrophic cardiomyopathy. Also called: HYPERTROPHIC MYOCARDIOPATHY. Identifiers: Orphanet 217569, MedGen C0007194, MeSH D002312, MONDO:0005045, HP:0001639.

Allele frequency attached by ClinVar (database versions not stated): TOPMed 0.00004; ESP Exome Variant Server 0.00008; 1000 Genomes Project 30x 0.00031.
gnomAD v4.1: 26 of 1,614,158 alleles (0.0016%); highest among the groups gnomAD compares: Admixed American, 0.023%; no homozygotes.

Submissions (5):

Labcorp Genetics (formerly Invitae), Labcorp
Classification: Likely benign for Hypertrophic cardiomyopathy. Last evaluated: 2026-01-14. Review status: criteria provided, single submitter. Criteria: Invitae Variant Classification Sherloc (09022015). Collection method: clinical testing. Allele origin: germline.

Color Diagnostics, LLC DBA Color Health
Classification: Likely benign for Cardiomyopathy. Last evaluated: 2020-01-15. Review status: criteria provided, single submitter. Criteria: ACMG Guidelines, 2015. Collection method: clinical testing. Allele origin: germline.

Laboratory for Molecular Medicine, Mass General Brigham Personalized Medicine
Classification: Likely benign. Last evaluated: 2018-02-20. Review status: criteria provided, single submitter. Criteria: LMM Criteria. Collection method: clinical testing. Allele origin: germline. Observed: 1 variant allele.
Comment: p.Thr159Thr in exon 4 of MYL3: This variant is not expected to have clinical sig nificance because it does not alter an amino acid residue and is not located wit hin the splice consensus sequence. It has been identified in 0.02% (8/33578) of Latino chromosomes by the Genome Aggregation Database (gnomAD; dbSNP rs148365503). ACMG/AMP Criteria applied: BS1, BP4, BP7.

Ambry Genetics
Classification: Likely benign for Cardiovascular phenotype. Last evaluated: 2015-10-30. Review status: criteria provided, single submitter. Criteria: Ambry Variant Classification Scheme 2023. Collection method: clinical testing. Allele origin: germline.

GeneDx
Classification: Benign. Last evaluated: 2015-07-28. Review status: criteria provided, single submitter. Criteria: GeneDx Variant Classification (06012015). Collection method: clinical testing. Allele origin: germline. Affected: yes.
Comment: This variant is considered likely benign or benign based on one or more of the following criteria: it is a conservative change, it occurs at a poorly conserved position in the protein, it is predicted to be benign by multiple in silico algorithms, and/or has population frequency not consistent with disease.

NM_000258.3(MYL3):c.477G>T (p.Thr159=)

Gene: MYL3 (myosin light chain 3; minus strand). Cytogenetic location: 3p21.31.
Variant type: single nucleotide variant.
Coding change: c.477G>T on transcript NM_000258.3 (MANE Select); coding-DNA position 477, G replaced by T.
Protein change: p.Thr159=; no amino-acid change (threonine 159 retained).
Molecular consequence: synonymous variant.
Genome position (GRCh38, 1-based): chr3:46,859,479, C>A on the plus strand (G>T on the coding strand, the complement: MYL3 is on the minus strand). VCF-style: chr3-46859479-C-A. GRCh37 (hg19) VCF-style: chr3-46900969-C-A.
Identifiers: ClinVar variation 227623 (VCV000227623.19), dbSNP rs148365503, ClinGen allele CA044292.